The following is an entry in ClinVar:

NM_015076.5(CDK19):c.141G>C (p.Lys47Asn)

Gene: CDK19 (cyclin dependent kinase 19; minus strand). Cytogenetic location: 6q21.
Variant type: single nucleotide variant.
Coding change: c.141G>C on transcript NM_015076.5 (MANE Select); coding-DNA position 141, G replaced by C.
Protein change: p.Lys47Asn; replaces lysine 47 with asparagine.
Molecular consequence: missense variant. On other transcripts: 5 prime UTR variant (2).
Genome position (GRCh38, 1-based): chr6:110,746,189, C>G on the plus strand (G>C on the coding strand, the complement: CDK19 is on the minus strand). VCF-style: chr6-110746189-C-G. GRCh37 (hg19) VCF-style: chr6-111067392-C-G.
Other names: c.141G>C, p.Lys47Asn (NM_001300960.2); c.-40G>C (NM_001300963.2, NM_001300964.2); c.141G>C (NM_015076.3); short protein forms K47N.
Identifiers: ClinVar variation 2573674 (VCV002573674.2), dbSNP rs1778062825, ClinGen allele CA365355578.
Genomic context (GRCh38, chr6:110,746,189, plus strand): 5'-AATCTCTCTACAAGCCGACATGGATATTCCTGTGCCTTCAATTTGCTTCAATGCATATTC[C>G]TTTTCATCTTTTCTGCACATAAACAAAAAAACATCATTTTTCCATATATCACTTTCAGAT-3'
Protein context (NP_055891.1, residues 37-57): KARRKDGKDE[Lys47Asn]EYALKQIEGT

ClinVar aggregate classification (germline): Uncertain significance. Review status: criteria provided, multiple submitters, no conflicts (2 of 4 stars). 2 submissions from 2 submitters: Uncertain significance (2). Last evaluated 2025-06-06.

Conditions:
Inborn genetic diseases. Identifiers: MedGen C0950123, MeSH D030342.

gnomAD v4.1: 1 of 1,595,128 alleles (0.000063%); highest among the groups gnomAD compares: African/African-American, 0.0013%; no homozygotes.

Submissions (2):

Ambry Genetics
Classification: Uncertain significance for Inborn genetic diseases. Last evaluated: 2025-06-06. Review status: criteria provided, single submitter. Criteria: Ambry Variant Classification Scheme 2023. Collection method: clinical testing. Allele origin: germline.

GeneDx
Classification: Uncertain significance. Last evaluated: 2023-01-18. Review status: criteria provided, single submitter. Criteria: GeneDx Variant Classification Process June 2021. Collection method: clinical testing. Allele origin: germline. Affected: yes.
Comment: Not observed at significant frequency in large population cohorts (gnomAD); In silico analysis supports that this missense variant does not alter protein structure/function; Has not been previously published as pathogenic or benign to our knowledge